The following is an entry in ClinVar:

NM_014846.4(WASHC5):c.186+17G>A

Gene: WASHC5 (WASH complex subunit 5; minus strand). Cytogenetic location: 8q24.13.
Variant type: single nucleotide variant.
Coding change: c.186+17G>A on transcript NM_014846.4 (MANE Select); 17 bases into the intron after coding-DNA position 186, G replaced by A.
Molecular consequence: intron variant.
Genome position (GRCh38, 1-based): chr8:125,083,696, C>T on the plus strand (G>A on the coding strand, the complement: WASHC5 is on the minus strand). VCF-style: chr8-125083696-C-T. GRCh37 (hg19) VCF-style: chr8-126095938-C-T.
Other names: c.-258-438G>A (NM_001330609.2).
Identifiers: ClinVar variation 380916 (VCV000380916.11), dbSNP rs59134934, ClinGen allele CA4874196.

ClinVar aggregate classification (germline): Benign. Review status: criteria provided, multiple submitters, no conflicts (2 of 4 stars). 4 submissions from 4 submitters: Benign (4). Last evaluated 2026-01-27.

Conditions:
Ritscher-Schinzel syndrome. Also called: CRANIOCEREBELLOCARDIAC DYSPLASIA. Identifiers: Orphanet 7, MedGen C0796137, MONDO:0019078.
Hereditary spastic paraplegia 8 (SPG8). Also called: SPASTIC PARAPLEGIA 8, AUTOSOMAL DOMINANT. Identifiers: Orphanet 100989, MedGen C1863704, MONDO:0011339, OMIM 603563.

Allele frequency attached by ClinVar (database versions not stated): gnomAD exomes 0.00380 and 0.00848; ExAC 0.01308; gnomAD 0.03072 and 0.03280; ESP Exome Variant Server 0.03268; TOPMed 0.03528; 1000 Genomes Project 0.03534; 1000 Genomes Project 30x 0.03795.
gnomAD v4.1: 10,409 of 1,578,402 alleles (0.66%); highest among the groups gnomAD compares: African/African-American, 11%; 456 homozygotes.

Submissions (4):

Labcorp Genetics (formerly Invitae), Labcorp
Classification: Benign for Ritscher-Schinzel syndrome; Hereditary spastic paraplegia 8. Last evaluated: 2026-01-27. Review status: criteria provided, single submitter. Criteria: Invitae Variant Classification Sherloc (09022015). Collection method: clinical testing. Allele origin: germline.

Blueprint Genetics
Classification: Benign. Last evaluated: 2024-11-27. Review status: criteria provided, single submitter. Criteria: ACMG Guidelines, 2015. Collection method: clinical testing. Allele origin: germline.

GeneDx
Classification: Benign. Last evaluated: 2016-08-09. Review status: criteria provided, single submitter. Criteria: GeneDx Variant Classification (06012015). Collection method: clinical testing. Allele origin: germline. Affected: yes.
Comment: This variant is considered likely benign or benign based on one or more of the following criteria: it is a conservative change, it occurs at a poorly conserved position in the protein, it is predicted to be benign by multiple in silico algorithms, and/or has population frequency not consistent with disease.

Breakthrough Genomics
Classification: Benign. Review status: criteria provided, single submitter. Criteria: ACMG Guidelines, 2015. Collection method: not provided. Allele origin: germline. Inheritance: Autosomal recessive inheritance. Affected: yes.